The following is an entry in ClinVar:

ClinVar aggregate classification (germline): Uncertain significance. Review status: criteria provided, multiple submitters, no conflicts (2 of 4 stars). 4 submissions from 4 submitters: Uncertain significance (3). 1 of the submissions does not count toward it. Last evaluated 2023-01-14.

Conditions:
Dilated cardiomyopathy 1O (CMD1O). Also called: CARDIOMYOPATHY, DILATED, WITH VENTRICULAR TACHYCARDIA. Identifiers: Orphanet 154, MedGen C1837839, MONDO:0012062, OMIM 608569.

Allele frequency attached by ClinVar (database versions not stated): ExAC 0.00001; gnomAD exomes 0.00001; ESP Exome Variant Server 0.00008.
gnomAD v4.1: 10 of 1,614,058 alleles (0.00062%); highest among the groups gnomAD compares: Non-Finnish European, 0.00085%; no homozygotes.

Submissions (4):

Labcorp Genetics (formerly Invitae), Labcorp
Classification: Uncertain significance for Dilated cardiomyopathy 1O. Last evaluated: 2023-01-14. Review status: criteria provided, single submitter. Criteria: Invitae Variant Classification Sherloc (09022015). Collection method: clinical testing. Allele origin: germline.
Comment: In summary, the available evidence is currently insufficient to determine the role of this variant in disease. Therefore, it has been classified as a Variant of Uncertain Significance. Advanced modeling of protein sequence and biophysical properties (such as structural, functional, and spatial information, amino acid conservation, physicochemical variation, residue mobility, and thermodynamic stability) performed at Invitae indicates that this missense variant is not expected to disrupt ABCC9 protein function. ClinVar contains an entry for this variant (Variation ID: 45417). This missense change has been observed in individual(s) with clinical features of ABCC9-related conditions (PMID: 27532257). This variant is present in population databases (rs372859669, gnomAD 0.002%). This sequence change replaces asparagine, which is neutral and polar, with serine, which is neutral and polar, at codon 1538 of the ABCC9 protein (p.Asn1538Ser).

Blueprint Genetics
Classification: Uncertain significance. Last evaluated: 2021-04-13. Review status: criteria provided, single submitter. Criteria: ACMG Guidelines, 2015. Collection method: clinical testing. Allele origin: germline.

Biesecker Lab/Clinical Genomics Section, National Institutes of Health
Classification: Uncertain significance. Last evaluated: 2013-06-24. Review status: criteria provided, single submitter. Criteria: Ng et al. (Circ Cardiovasc Genet. 2013). Collection method: research. Allele origin: unknown. Observed: 1 variant allele. Study: ClinSeq.
Comment: The study set was not selected for affection status in relation to any cancer. Pathogenicity categories were based on literature curation. See Pubmed ID:23861362 for details.

Medical sequencing

Laboratory for Molecular Medicine, Mass General Brigham Personalized Medicine
Classification: Uncertain significance. Last evaluated: 2009-09-29. Review status: no assertion criteria provided. Collection method: clinical testing. Allele origin: germline. Observed: 1 variant allele. Not counted in ClinVar's aggregate classification.

Literature cited by the submitters: PubMed 27532257 (cited by Labcorp Genetics (formerly Invitae), Labcorp).

NM_020297.4(ABCC9):c.4512+787A>G

Genes: ABCC9 (ATP binding cassette subfamily C member 9; minus strand), KCNJ8-AS1 (KCNJ8 antisense RNA 1; plus strand). Cytogenetic location: 12p12.1.
Variant type: single nucleotide variant.
Coding change: c.4512+787A>G on transcript NM_020297.4 (MANE Select); 787 bases into the intron after coding-DNA position 4512, A replaced by G.
Molecular consequence: intron variant. On other transcripts: missense variant (1).
Genome position (GRCh38, 1-based): chr12:21,805,211, T>C on the plus strand (A>G on the coding strand, the complement: ABCC9 is on the minus strand). VCF-style: chr12-21805211-T-C. GRCh37 (hg19) VCF-style: chr12-21958145-T-C.
Other names: c.4613A>G, p.Asn1538Ser (NM_005691.4); c.3645+787A>G (NM_001377274.1); c.4512+787A>G (NM_001377273.1); short protein forms N1538S.
Identifiers: ClinVar variation 45417 (VCV000045417.10), dbSNP rs372859669, ClinGen allele CA136302.